The following is an entry in ClinVar:

NM_000552.5(VWF):c.7579C>T (p.Pro2527Ser)

Gene: VWF (von Willebrand factor; minus strand). Cytogenetic location: 12p13.31.
Variant type: single nucleotide variant.
Coding change: c.7579C>T on transcript NM_000552.5 (MANE Select); coding-DNA position 7579, C replaced by T.
Protein change: p.Pro2527Ser; replaces proline 2527 with serine.
Molecular consequence: missense variant.
Genome position (GRCh38, 1-based): chr12:5,969,361, G>A on the plus strand (C>T on the coding strand, the complement: VWF is on the minus strand). VCF-style: chr12-5969361-G-A. GRCh37 (hg19) VCF-style: chr12-6078527-G-A.
Other names: c.7579C>T (NM_000552.3); short protein forms P2527S.
Identifiers: ClinVar variation 3575057 (VCV003575057.3).
Genomic context (GRCh38, chr12:5,969,361, plus strand): 5'-CGTTCCTTTGTTGTATAAAGACCTCCTCCTTCACTCGGACACACTCATTGATGAGGCAGG[G>A]GTTCTCCGGGGAGGCCCACTGGGAGCCGACCTGCAGGGCACCAGAGTTAGTCCAACAAGC-3'
Protein context (NP_000543.3, residues 2517-2537): VGSQWASPEN[Pro2527Ser]CLINECVRVK

ClinVar aggregate classification (germline): Uncertain significance. Review status: criteria provided, multiple submitters, no conflicts (2 of 4 stars). 3 submissions from 3 submitters: Uncertain significance (3). Last evaluated 2025-12-09.

Conditions:
Inborn genetic diseases. Identifiers: MedGen C0950123, MeSH D030342.
von Willebrand disease type 3 (VWD3). Also called: Type 3 Von Willebrand's disease; Type 3 VWD; Von Willebrand disease, severe form; V WD3; VON WILLEBRAND DISEASE, TYPE III. Identifiers: Orphanet 166096, MedGen C1264041, MONDO:0010191, OMIM 277480.
von Willebrand disease type 2 (VWD2). Also called: VON WILLEBRAND DISEASE, TYPE 2A/IIE; VON WILLEBRAND DISEASE, TYPE 2CB; VWD, TYPE 2; VON WILLEBRAND DISEASE, TYPE II. Identifiers: Orphanet 166081, Orphanet 903, MedGen C1264040, MONDO:0013304, OMIM 613554.
von Willebrand disease type 1 (VWD1). Also called: VWD, TYPE 1; VON WILLEBRAND DISEASE, TYPE I. Identifiers: Orphanet 166078, Orphanet 903, MedGen C1264039, MONDO:0008668, OMIM 193400. Inheritance: autosomal recessive or autosomal dominant.

gnomAD v4.1: 71 of 1,614,120 alleles (0.0044%); highest among the groups gnomAD compares: Non-Finnish European, 0.0057%; no homozygotes.

Submissions (3):

Women's Health and Genetics/Laboratory Corporation of America, LabCorp
Classification: Uncertain significance. Last evaluated: 2025-12-09. Review status: criteria provided, single submitter. Criteria: LabCorp Variant Classification Summary - May 2015. Collection method: clinical testing. Allele origin: germline.
Comment: Variant summary: VWF c.7579C>T (p.Pro2527Ser) results in a non-conservative amino acid change in the encoded protein sequence. Algorithms developed to predict the effect of missense changes on protein structure and function are either unavailable or do not agree on the potential impact of this missense change. The variant allele was found at a frequency of 3.6e-05 in 251396 control chromosomes. The available data on variant occurrences in the general population are insufficient to allow any conclusion about variant significance. To our knowledge, no occurrence of c.7579C>T in individuals affected with VWF-related conditions and no experimental evidence demonstrating its impact on protein function have been reported. ClinVar contains an entry for this variant (Variation ID: 3575057). Based on the evidence outlined above, the variant was classified as uncertain significance.

Ambry Genetics
Classification: Uncertain significance for Inborn genetic diseases. Last evaluated: 2025-11-03. Review status: criteria provided, single submitter. Criteria: Ambry Variant Classification Scheme 2023. Collection method: clinical testing. Allele origin: germline.

Fulgent Genetics
Classification: Uncertain significance for von Willebrand disease type 1; von Willebrand disease type 3; von Willebrand disease type 2. Last evaluated: 2024-04-28. Review status: criteria provided, single submitter. Criteria: ACMG Guidelines, 2015. Collection method: clinical testing. Allele origin: germline.